The following is an entry in ClinVar:

NM_007294.4(BRCA1):c.4241T>C (p.Leu1414Pro)

Gene: BRCA1 (BRCA1 DNA repair associated; minus strand). Cytogenetic location: 17q21.31.
Variant type: single nucleotide variant.
Coding change: c.4241T>C on transcript NM_007294.4 (MANE Select); coding-DNA position 4241, T replaced by C.
Protein change: p.Leu1414Pro; replaces leucine 1414 with proline.
Molecular consequence: missense variant. On other transcripts: non-coding transcript variant (1).
Genome position (GRCh38, 1-based): chr17:43,082,520, A>G on the plus strand (T>C on the coding strand, the complement: BRCA1 is on the minus strand). VCF-style: chr17-43082520-A-G. GRCh37 (hg19) VCF-style: chr17-41234537-A-G.
Other names: c.4028T>C, p.Leu1343Pro (NM_001407571.1, NM_001407853.1, NM_001407894.1 and 12 more transcripts); c.4241T>C, p.Leu1414Pro (NM_001407581.1, NM_001407582.1, NM_001407583.1 and 23 more transcripts); c.4238T>C, p.Leu1413Pro (NM_001407587.1, NM_001407590.1, NM_001407591.1 and 21 more transcripts); c.4235T>C, p.Leu1412Pro (NM_001407627.1, NM_001407644.1, NM_001407645.1 and 5 more transcripts); c.4229T>C, p.Leu1410Pro (NM_001407646.1, NM_001407647.1); c.4157T>C, p.Leu1386Pro (NM_001407660.1, NM_001407659.1); c.4160T>C, p.Leu1387Pro (NM_001407661.1, NM_001407662.1, NM_001407663.1 and 1 more transcripts); c.4118T>C, p.Leu1373Pro (NM_001407664.1, NM_001407665.1, NM_001407666.1 and 13 more transcripts); and 51 more; short protein forms L1414P, L311P, L1367P, L1325P, L1326P, L1344P, L1366P, L1388P.
Identifiers: ClinVar variation 240801 (VCV000240801.20), dbSNP rs878854951, ClinGen allele CA10583561.

ClinVar aggregate classification (germline): Uncertain significance. Review status: criteria provided, multiple submitters, no conflicts (2 of 4 stars). 4 submissions from 4 submitters: Uncertain significance (3). 1 of the submissions does not count toward it. Last evaluated 2025-09-08.

Conditions:
Hereditary cancer-predisposing syndrome. Also called: Hereditary Cancer Syndrome; Neoplastic Syndromes, Hereditary; Hereditary neoplastic syndrome; Tumor predisposition. Identifiers: Orphanet 140162, MedGen C0027672, MeSH D009386, MONDO:0015356.
Hereditary breast ovarian cancer syndrome. Also called: Hereditary breast and ovarian cancer syndrome (HBOC); Breast and ovarian cancer; Hereditary breast and ovarian cancer syndrome; Hereditary breast and ovarian cancer; BRCA1- and BRCA2-Associated Hereditary Breast and Ovarian Cancer; Hereditary breast and/or ovarian cancer syndrome. Identifiers: Orphanet 145, MedGen C0677776, MeSH D061325, MONDO:0003582. Disease mechanism: loss of function.
Breast-ovarian cancer, familial, susceptibility to, 1 (BROVCA1). Also called: BRCA1 Hereditary Breast and Ovarian Cancer; OVARIAN CANCER, SUSCEPTIBILITY TO. Identifiers: Orphanet 145, MedGen C2676676, MONDO:0011450, OMIM 604370. Disease mechanism: loss of function.

Allele frequency attached by ClinVar (database versions not stated): TOPMed below 0.00001; gnomAD 0.00001.
gnomAD v4.1: 1 of 1,614,104 alleles (0.000062%); highest among the groups gnomAD compares: African/African-American, 0.0013%; no homozygotes.

Submissions (4):

Labcorp Genetics (formerly Invitae), Labcorp
Classification: Uncertain significance for Hereditary breast ovarian cancer syndrome. Last evaluated: 2025-09-08. Review status: criteria provided, single submitter. Criteria: Invitae Variant Classification Sherloc (09022015). Collection method: clinical testing. Allele origin: germline.
Comment: This sequence change replaces leucine, which is neutral and non-polar, with proline, which is neutral and non-polar, at codon 1414 of the BRCA1 protein (p.Leu1414Pro). This variant is not present in population databases (gnomAD no frequency). This variant has not been reported in the literature in individuals affected with BRCA1-related conditions. ClinVar contains an entry for this variant (Variation ID: 240801). Invitae Evidence Modeling of protein sequence and biophysical properties (such as structural, functional, and spatial information, amino acid conservation, physicochemical variation, residue mobility, and thermodynamic stability) indicates that this missense variant is expected to disrupt BRCA1 protein function with a positive predictive value of 80%. In summary, the available evidence is currently insufficient to determine the role of this variant in disease. Therefore, it has been classified as a Variant of Uncertain Significance.

Ambry Genetics
Classification: Uncertain significance for Hereditary cancer-predisposing syndrome. Last evaluated: 2024-04-29. Review status: criteria provided, single submitter. Criteria: Ambry Variant Classification Scheme 2023. Collection method: clinical testing. Allele origin: germline.
Comment: The p.L1414P variant (also known as c.4241T>C), located in coding exon 11 of the BRCA1 gene, results from a T to C substitution at nucleotide position 4241. The leucine at codon 1414 is replaced by proline, an amino acid with similar properties. This amino acid position is well conserved in available vertebrate species. In addition, the in silico prediction for this alteration is inconclusive. Since supporting evidence is limited at this time, the clinical significance of this alteration remains unclear.

GeneDx
Classification: Uncertain significance. Last evaluated: 2022-11-17. Review status: criteria provided, single submitter. Criteria: GeneDx Variant Classification Process June 2021. Collection method: clinical testing. Allele origin: germline. Affected: yes.
Comment: Has not been previously published as pathogenic or benign to our knowledge; In silico analysis supports that this missense variant has a deleterious effect on protein structure/function; Not observed in large population cohorts (gnomAD); Also known as 4360T>C; This variant is associated with the following publications: (PMID: 22737296, 19369211)

BRCAlab, Lund University
Classification: Uncertain significance for Breast-ovarian cancer, familial, susceptibility to, 1. Last evaluated: 2020-03-02. Review status: no assertion criteria provided. Collection method: clinical testing. Allele origin: germline. Affected: yes. Not counted in ClinVar's aggregate classification.

Literature cited by the submitters: PubMed 12080089 (cited by Ambry Genetics).